The following is an entry in ClinVar:

ClinVar aggregate classification (germline): Benign/Likely benign. Review status: criteria provided, multiple submitters, no conflicts (2 of 4 stars). 10 submissions from 10 submitters: Benign (6); Likely benign (3). 1 of the submissions does not count toward it. Last evaluated 2026-02-03.

Conditions:
Hereditary cancer-predisposing syndrome. Also called: Hereditary Cancer Syndrome; Tumor predisposition; Hereditary neoplastic syndrome; Neoplastic Syndromes, Hereditary. Identifiers: Orphanet 140162, MedGen C0027672, MeSH D009386, MONDO:0015356.
Fanconi anemia complementation group P. Also called: SLX4-Related Fanconi Anemia. Identifiers: Orphanet 84, MedGen C3469542, MONDO:0013499, OMIM 613951.
Fanconi anemia (FA). Also called: Fanconi's anemia. Identifiers: Orphanet 84, MedGen C0015625, MeSH D005199, MONDO:0019391.

Allele frequency attached by ClinVar (database versions not stated): gnomAD exomes 0.00568 and 0.00916; ESP Exome Variant Server 0.00646; gnomAD 0.00774 and 0.00885; TOPMed 0.00826; ExAC 0.01017; 1000 Genomes Project 0.01518.
gnomAD v4.1: 9,760 of 1,613,938 alleles (0.6%); highest among the groups gnomAD compares: South Asian, 4.4%; 144 homozygotes.

Submissions (10):

Labcorp Genetics (formerly Invitae), Labcorp
Classification: Benign for Fanconi anemia. Last evaluated: 2026-02-03. Review status: criteria provided, single submitter. Criteria: Invitae Variant Classification Sherloc (09022015). Collection method: clinical testing. Allele origin: germline.

Molecular Diagnostics Laboratory, Catalan Institute of Oncology
Classification: Benign for Hereditary cancer-predisposing syndrome. Last evaluated: 2025-07-23. Review status: criteria provided, single submitter. Criteria: ACMG Guidelines, 2015. Collection method: clinical testing. Allele origin: germline.
Comment: BA1, BP4, BP7 c.3963G>A, located in exon 12 of the SLX4 gene, is predicted to result in no splicing alteration (according to SpliceAI) and no amino acid change, p.(Pro1321=)(BP4, BP7). The variant allele was found in 1253/30524 alleles (43 homozygous), with a filtering allele frequency of 3.8% at 99% confidence, within the South Asian population in the gnomAD v2.1.1 database (non-cancer data set)(BA1). To our knowledge, functional studies have not been reported for this variant. In addition, the variant was also identified in the ClinVar database (3x likely benign, 5x benign) and in the LOVD database (2x likely benign, 1x benign). Based on currently available information, c.3963G>A is classified as a benign variant according to ACMG guidelines.

Blueprint Genetics
Classification: Likely benign. Last evaluated: 2024-11-27. Review status: criteria provided, single submitter. Criteria: ACMG Guidelines, 2015. Collection method: clinical testing. Allele origin: germline.

KCCC/NGS Laboratory, Kuwait Cancer Control Center
Classification: Benign for Fanconi anemia complementation group P. Last evaluated: 2023-07-07. Review status: criteria provided, single submitter. Criteria: ACMG Guidelines, 2015. Collection method: clinical testing. Allele origin: germline. Affected: yes.

GeneDx
Classification: Likely benign. Last evaluated: 2021-10-26. Review status: criteria provided, single submitter. Criteria: GeneDx Variant Classification Process June 2021. Collection method: clinical testing. Allele origin: germline. Affected: yes.

Genome-Nilou Lab
Classification: Benign for Fanconi anemia complementation group P. Last evaluated: 2021-07-15. Review status: criteria provided, single submitter. Criteria: ACMG Guidelines, 2015. Collection method: clinical testing. Allele origin: germline. Affected: no.

Illumina Laboratory Services, Illumina
Classification: Benign for Fanconi anemia complementation group P. Last evaluated: 2018-01-13. Review status: criteria provided, single submitter. Criteria: ICSL Variant Classification Criteria 13 December 2019. Collection method: clinical testing. Allele origin: germline.
Comment: This variant was observed in the ICSL laboratory as part of a predisposition screen in an ostensibly healthy population. It had not been previously curated by ICSL or reported in the Human Gene Mutation Database (HGMD: prior to June 1st, 2018), and was therefore a candidate for classification through an automated scoring system. Utilizing variant allele frequency, disease prevalence and penetrance estimates, and inheritance mode, an automated score was calculated to assess if this variant is too frequent to cause the disease. Based on the score and internal cut-off values, a variant classified as benign is not then subjected to further curation. The score for this variant resulted in a classification of benign for this disease.

Breakthrough Genomics
Classification: Likely benign. Review status: criteria provided, single submitter. Criteria: ACMG Guidelines, 2015. Collection method: not provided. Allele origin: germline. Inheritance: Autosomal recessive inheritance. Affected: yes.

PreventionGenetics, part of Exact Sciences
Classification: Benign. Review status: criteria provided, single submitter. Criteria: ACMG Guidelines, 2015. Collection method: clinical testing. Allele origin: germline.

Leiden Open Variation Database
Classification: Likely benign. Last evaluated: 2012-08-31. Review status: no assertion criteria provided. Collection method: curation. Allele origin: germline. Affected: yes. Not counted in ClinVar's aggregate classification.
Comment: Curator: Arleen D. Auerbach. Submitter to LOVD: Janine Bakker.

Literature cited by the submitters: PubMed 22911665 (cited by Leiden Open Variation Database).

NM_032444.4(SLX4):c.3963G>A (p.Pro1321=)

Gene: SLX4 (SLX4 structure-specific endonuclease subunit; minus strand). Cytogenetic location: 16p13.3.
Variant type: single nucleotide variant.
Coding change: c.3963G>A on transcript NM_032444.4 (MANE Select); coding-DNA position 3963, G replaced by A.
Protein change: p.Pro1321=; no amino-acid change (proline 1321 retained).
Molecular consequence: synonymous variant.
Genome position (GRCh38, 1-based): chr16:3,589,675, C>T on the plus strand (G>A on the coding strand, the complement: SLX4 is on the minus strand). VCF-style: chr16-3589675-C-T. GRCh37 (hg19) VCF-style: chr16-3639676-C-T.
Other names: c.3963G>A (LRG_503t1, NM_032444.3).
Identifiers: ClinVar variation 241685 (VCV000241685.26), dbSNP rs116781836, ClinGen allele CA7865777.